The following is an entry in ClinVar:

ClinVar aggregate classification (germline): Pathogenic (1 of 4 stars; one submission).

Conditions:
X-linked hydrocephalus syndrome (HYCX). Also called: HYDROCEPHALUS, CONGENITAL, X-LINKED; AQUEDUCTAL STENOSIS, X-LINKED; X-Linked Hydrocephalus with Stenosis of the Aqueduct of Sylvius; X-linked hydrocephalus; X-Linked Hydrocephalus with Stenosis of the Aqueduct of Sylvius (HSAS). Identifiers: Orphanet 2182, MedGen C0265216, MONDO:0010611, OMIM 307000.

Submission:

Victorian Clinical Genetics Services, Murdoch Childrens Research Institute
Classification: Pathogenic for X-linked hydrocephalus syndrome. Last evaluated: 2023-12-21. Review status: criteria provided, single submitter. Criteria: ACMG Guidelines, 2015. Collection method: clinical testing. Allele origin: germline. Inheritance: X-linked recessive inheritance. Affected: yes.
Comment: Based on the classification scheme VCGS_Germline_v1.3.4, this variant is classified as Pathogenic. Following criteria are met: 0102 - Loss of function is a known mechanism of disease in this gene and is associated with partial agenesis of corpus callosum (MIM#304100), MASA syndrome (MIM#303350) and congenital hydrocephalus (MIM#307000). (I) 0109 - This gene is associated with X-linked recessive disease. (I) 0115 - Variants in this gene are known to have variable expressivity. Both interfamilial and intrafamilial variability have been reported (PMID: 7562969, 16650080). (I) 0200 - Variant is predicted to result in a missense amino acid change from aspartic acid to glycine. (I) 0253 - This variant is hemizygous. (I) 0301 - Variant is absent from gnomAD (both v2 and v3). (SP) 0501 - Missense variant consistently predicted to be damaging by multiple in silico tools or highly conserved with a major amino acid change. (SP) 0604 - Variant is not located in an established domain, motif, hotspot or informative constraint region. (I) 0701 - Other missense variants comparable to the one identified in this case have very strong previous evidence for pathogenicity. p.(Asp202Asn) and p.(Asp202Tyr) have been classified as pathogenic and observed in multiple individuals with L1CAM related conditions (ClinVar, DECIPHER, PMIDs: 25934484, 10805190, 25644381, 31069529). (SP) 0807 - This variant has no previous evidence of pathogenicity. (I) 0905 - No published segregation evidence has been identified for this variant. (I) 1007 - No published functional evidence has been identified for this variant. (I) 1102 - Strong phenotype match for this individual. (I) Legend: (SP) - Supporting pathogenic, (I) - Information, (SB) - Supporting benign

Literature cited by the submitters: PubMed 7562969; PubMed 10805190; PubMed 16650080; PubMed 25644381; PubMed 25934484; PubMed 31069529.

NM_001278116.2(L1CAM):c.605A>G (p.Asp202Gly)

Gene: L1CAM (L1 cell adhesion molecule; minus strand). Cytogenetic location: Xq28.
Variant type: single nucleotide variant.
Coding change: c.605A>G on transcript NM_001278116.2 (MANE Select); coding-DNA position 605, A replaced by G.
Protein change: p.Asp202Gly; replaces aspartic acid 202 with glycine.
Molecular consequence: missense variant.
Genome position (GRCh38, 1-based): chrX:153,870,879, T>C on the plus strand (A>G on the coding strand, the complement: L1CAM is on the minus strand). VCF-style: chrX-153870879-T-C. GRCh37 (hg19) VCF-style: chrX-153136334-T-C.
Other names: c.605A>G, p.Asp202Gly (NM_000425.5, NM_024003.3); c.590A>G, p.Asp197Gly (NM_001143963.2); short protein forms D197G, D202G.
Identifiers: ClinVar variation 3254679 (VCV003254679.1), dbSNP rs2521024037.